The following is an entry in ClinVar:

NM_000090.4(COL3A1):c.3299G>A (p.Arg1100His)

Gene: COL3A1 (collagen type III alpha 1 chain; plus strand). Cytogenetic location: 2q32.2.
Variant type: single nucleotide variant.
Coding change: c.3299G>A on transcript NM_000090.4 (MANE Select); coding-DNA position 3299, G replaced by A.
Protein change: p.Arg1100His; replaces arginine 1100 with histidine.
Molecular consequence: missense variant.
Genome position (GRCh38, 1-based): chr2:189,007,543, G>A. VCF-style: chr2-189007543-G-A. GRCh37 (hg19) VCF-style: chr2-189872269-G-A.
Other names: short protein forms R1100H.
Identifiers: ClinVar variation 922907 (VCV000922907.26), dbSNP rs370069953, ClinGen allele CA076000.

ClinVar aggregate classification (germline): Conflicting classifications of pathogenicity. Review status: criteria provided, conflicting classifications (1 of 4 stars). 10 submissions from 10 submitters: Uncertain significance (6); Benign (2); Likely benign (2). Last evaluated 2026-08-06.

Conditions:
Ehlers-Danlos syndrome, dominant type 4. Also called: Autosomal dominant Ehlers-Danlos syndrome, vascular type. Identifiers: MedGen C0268339, MONDO:0007524.
Ehlers-Danlos syndrome, type 4 (EDSVASC). Also called: Ehlers-Danlos Syndrome Type IV; Ehlers-Danlos syndrome vascular type; Ehlers Danlos syndrome, ecchymotic type; Ehlers Danlos syndrome, arterial type; Ehlers Danlos syndrome, Sack-Barabas type. Identifiers: Orphanet 286, MedGen C0268338, MONDO:0017314, OMIM 130050.
Familial thoracic aortic aneurysm and aortic dissection (TAAD). Also called: Thoracic aortic aneurysms and dissections. Identifiers: Orphanet 91387, MedGen C4707243, MONDO:0019625.

Allele frequency attached by ClinVar (database versions not stated): gnomAD exomes 0.00002 and 0.00004; ExAC 0.00005; ESP Exome Variant Server 0.00008; gnomAD 0.00011 and 0.00013; TOPMed 0.00020.
gnomAD v4.1: 53 of 1,613,674 alleles (0.0033%); highest among the groups gnomAD compares: African/African-American, 0.044%; no homozygotes.

Submissions (10):

OLLIN Analises Genomicas, OLLIN
Classification: Uncertain significance. Last evaluated: 2026-08-06. Review status: criteria provided, single submitter. Criteria: ACMG Guidelines 2015 PMID 25741868. Collection method: clinical testing. Allele origin: germline.
Comment: This missense variant, located in exon 45 (of 51), has been reported in ClinVar (accession VCV000922907.23) and in gnomAD with an allele frequency of 0.0033%. However, to our knowledge, it has not been reported in the scientific literature. In silico analysis predicts that this variant has a deleterious effect. This variant is located in a region considered to be a mutational hotspot. This gene is constrained for missense variation. According to the currently available evidence, this variant has been classified as uncertain significance (PM1, PP2, PP3, BS1).

Women's Health and Genetics/Laboratory Corporation of America, LabCorp
Classification: Benign. Last evaluated: 2026-04-21. Review status: criteria provided, single submitter. Criteria: LabCorp Variant Classification Summary - May 2015. Collection method: clinical testing. Allele origin: germline.
Comment: Variant summary: COL3A1 c.3299G>A (p.Arg1100His) results in a non-conservative amino acid change in the encoded protein sequence. Algorithms developed to predict the effect of missense changes on protein structure and function all suggest that this variant is likely to be disruptive. The variant allele was found at a frequency of 3.3e-05 in 1613674 control chromosomes, predominantly at a frequency of 0.00044 within the East Asian subpopulation in the gnomAD database. The observed variant frequency within East Asian control individuals in the gnomAD database exceeds the estimated maximal expected allele frequency for disease-causing variants in COL3A1. Additionally, this variant was also observed in the homozygous state in at least 1 individual with no evidence of disease, which is not consistent with the early onset/severe presentation of autosomal recessive COL3A1-related conditions (internal data). c.3299G>A has been observed in the heterozygous state in at least 1 individual(s) affected with Aortopathy (example, Chen_2021) without strong evidence for causality. These report(s) do not provide unequivocal conclusions about association of the variant with Aortopathy. To our knowledge, no experimental evidence demonstrating an impact on protein function has been reported. The following publication has been ascertained in the context of this evaluation (PMID: 34047934). ClinVar contains an entry for this variant (Variation ID: 922907). Based on the evidence outlined above, the variant was classified as benign.

Labcorp Genetics (formerly Invitae), Labcorp
Classification: Benign for Ehlers-Danlos syndrome, type 4. Last evaluated: 2025-12-10. Review status: criteria provided, single submitter. Criteria: Invitae Variant Classification Sherloc (09022015). Collection method: clinical testing. Allele origin: germline.

Dasa
Classification: Uncertain significance for autosomal dominant Ehlers-Danlos syndrome, vascular type. Last evaluated: 2025-10-13. Review status: criteria provided, single submitter. Criteria: DASA Assertion Criteria. Collection method: clinical testing. Allele origin: germline.
Comment: NM_000090.4(COL3A1):c.3299G>A (p.Arg1100His) is a missense variant that results in the substitution of arginine with histidine. This variant has been reported in individuals with COL3A1-related disorders (PMID: 34047934). Also, this variant is rare in population databases. Computational prediction algorithms are consistent with a deleterious effect. The currently available literature and clinical evidence are not sufficient to establish a definitive association between this variant and the reported condition. Therefore, this variant is classified as a variant of uncertain significance.

Blueprint Genetics
Classification: Likely benign. Last evaluated: 2024-11-13. Review status: criteria provided, single submitter. Criteria: ACMG Guidelines, 2015. Collection method: clinical testing. Allele origin: germline.

All of Us Research Program, National Institutes of Health
Classification: Uncertain significance for Ehlers-Danlos syndrome, type 4. Last evaluated: 2024-07-29. Review status: criteria provided, single submitter. Criteria: ACMG Guidelines, 2015. Collection method: clinical testing. Allele origin: germline. Inheritance: Autosomal dominant inheritance. Observed: 22 variant alleles, 22 heterozygotes.
Comment: This missense variant replaces arginine with histidine at codon 1100 of the COL3A1 protein. Computational prediction is inconclusive regarding the impact of this variant on protein structure and function (internally defined REVEL score threshold 0.5 < inconclusive < 0.7, PMID: 27666373). To our knowledge, functional studies have not been reported for this variant. This variant has not been reported in individuals affected with COL3A1-related disorders in the literature. This variant has been identified in 12/282104 chromosomes in the general population by the Genome Aggregation Database (gnomAD). The available evidence is insufficient to determine the role of this variant in disease conclusively. Therefore, this variant is classified as a Variant of Uncertain Significance.

This study involves interpretation of variants in research participants for the purpose of population health screening. Participant phenotype was not available at the time of variant classification. Additional details can be found in publication PMID: 35346344, PMCID: PMC8962531

Color Diagnostics, LLC DBA Color Health
Classification: Uncertain significance for Familial thoracic aortic aneurysm and aortic dissection. Last evaluated: 2024-07-17. Review status: criteria provided, single submitter. Criteria: ACMG Guidelines, 2015. Collection method: clinical testing. Allele origin: germline.
Comment: This missense variant replaces arginine with histidine at codon 1100 of the COL3A1 protein. Computational prediction is inconclusive regarding the impact of this variant on protein structure and function. To our knowledge, functional studies have not been reported for this variant. This variant has not been reported in individuals affected with COL3A1-related disorders in the literature. This variant has been identified in 12/282104 chromosomes in the general population by the Genome Aggregation Database (gnomAD). The available evidence is insufficient to determine the role of this variant in disease conclusively. Therefore, this variant is classified as a Variant of Uncertain Significance.

Ambry Genetics
Classification: Likely benign for Familial thoracic aortic aneurysm and aortic dissection. Last evaluated: 2023-05-12. Review status: criteria provided, single submitter. Criteria: Ambry Variant Classification Scheme 2023. Collection method: clinical testing. Allele origin: germline.

CHEO Genetics Diagnostic Laboratory, Children's Hospital of Eastern Ontario
Classification: Uncertain significance for Familial thoracic aortic aneurysm and aortic dissection. Last evaluated: 2022-07-07. Review status: criteria provided, single submitter. Criteria: ACMG Guidelines, 2015. Collection method: clinical testing. Allele origin: germline.

GeneDx
Classification: Uncertain significance. Last evaluated: 2021-03-25. Review status: criteria provided, single submitter. Criteria: GeneDx Variant Classification Process June 2021. Collection method: clinical testing. Allele origin: germline. Affected: yes.
Comment: Has not been previously published as pathogenic or benign to our knowledge; In silico analysis supports that this missense variant does not alter protein structure/function; Occurs in the triple helical domain at the Y position in the canonical Gly-X-Y repeat; although this variant may have an effect on normal protein folding and function, missense substitution at the Y position is not a common mechanism of disease (Stenson et al., 2014); Reported in ClinVar (ClinVar Variant ID# 922907; Landrum et al., 2016)

Literature cited by the submitters: PubMed 34047934 (cited by Women's Health and Genetics/Laboratory Corporation of America, LabCorp and Dasa); PubMed 28518168 (cited by Ambry Genetics); PubMed 32461654 (cited by Ambry Genetics).